The following is an entry in ClinVar:

ClinVar aggregate classification (germline): Uncertain significance (1 of 4 stars; one submission).

Conditions:
Basal cell nevus syndrome 1 (BCNS1). Also called: GORLIN-GOLTZ SYNDROME; MULTIPLE BASAL CELL NEVI, ODONTOGENIC KERATOCYSTS, AND SKELETAL ANOMALIES. Identifiers: MedGen CN376810, MONDO:0958174, OMIM 109400.

gnomAD v4.1: 3 of 1,611,880 alleles (0.00019%); highest among the groups gnomAD compares: Non-Finnish European, 0.00025%; no homozygotes.

Submission:

St. Jude Molecular Pathology, St. Jude Children's Research Hospital
Classification: Uncertain significance for Basal cell nevus syndrome 1. Last evaluated: 2026-10-01. Review status: criteria provided, single submitter. Criteria: St. Jude Assertion Criteria 2020. Collection method: clinical testing. Allele origin: germline.
Comment: The PTCH1 c.29T>C p.(Val10Ala) missense change is absent in gnomAD v2.1.1. The in silico tool REVEL is inconclusive about a pathogenic or b enign effect of this variant on protein function, and to our knowledge functional studies have not been performed. To our knowledge, this variant has not been reported in individuals with nevoid basal cell carcinoma syndrome. In summary, the evidence cur rently available is insufficient to determine the clinical significance of this variant. It has therefore been classified as of uncertain significance (VUS-Low).

NM_001083603.3(PTCH1):c.29T>C (p.Val10Ala)

Gene: PTCH1 (patched 1; minus strand). Cytogenetic location: 9q22.32.
Variant type: single nucleotide variant.
Coding change: c.29T>C on transcript NM_001083603.3 (MANE Plus Clinical); coding-DNA position 29, T replaced by C.
Protein change: p.Val10Ala; replaces valine 10 with alanine.
Molecular consequence: missense variant. On other transcripts: 5 prime UTR variant (2).
Genome position (GRCh38, 1-based): chr9:95,516,792, A>G on the plus strand (T>C on the coding strand, the complement: PTCH1 is on the minus strand). VCF-style: chr9-95516792-A-G. GRCh37 (hg19) VCF-style: chr9-98279074-A-G.
Other names: c.-321T>C (NM_001083602.3, NM_001354919.2); short protein forms V10A.
Identifiers: ClinVar variation 5038374 (VCV005038374.1).